The following is an entry in ClinVar:

NM_173651.4(FSIP2):c.19772C>T (p.Thr6591Ile)

Gene: FSIP2 (fibrous sheath interacting protein 2; plus strand). Cytogenetic location: 2q32.1.
Variant type: single nucleotide variant.
Coding change: c.19772C>T on transcript NM_173651.4 (MANE Select); coding-DNA position 19772, C replaced by T.
Protein change: p.Thr6591Ile; replaces threonine 6591 with isoleucine.
Molecular consequence: missense variant.
Genome position (GRCh38, 1-based): chr2:185,809,078, C>T. VCF-style: chr2-185809078-C-T. GRCh37 (hg19) VCF-style: chr2-186673805-C-T.
Other names: c.19772C>T (NM_173651.3); short protein forms T6591I.
Identifiers: ClinVar variation 1013188 (VCV001013188.40), dbSNP rs201876794, ClinGen allele CA2017757.

ClinVar aggregate classification (germline): Conflicting classifications of pathogenicity. Review status: criteria provided, conflicting classifications (1 of 4 stars). 3 submissions from 3 submitters: Uncertain significance (1); Likely benign (1). 1 of the submissions does not count toward it. Last evaluated 2024-04-01.

Conditions:
FSIP2-related disorder. Also called: FSIP2-related condition.

Allele frequency attached by ClinVar (database versions not stated): 1000 Genomes Project 0.00040; 1000 Genomes Project 30x 0.00094; TOPMed 0.00246; ESP Exome Variant Server 0.00285; gnomAD exomes 0.00323 and 0.00352; ExAC 0.00341; gnomAD 0.00375 and 0.00395.
gnomAD v4.1: 5,612 of 1,601,790 alleles (0.35%); highest among the groups gnomAD compares: Non-Finnish European, 0.42%; 30 homozygotes.

Submissions (3):

CeGaT Center for Human Genetics Tuebingen
Classification: Likely benign. Last evaluated: 2024-04-01. Review status: criteria provided, single submitter. Criteria: CeGaT Center For Human Genetics Tuebingen Variant Classification Criteria Version 2. Collection method: clinical testing. Allele origin: germline. Affected: yes. Observed: 8 variant alleles.
Comment: FSIP2: BP4, BS2

Breakthrough Genomics
Classification: Uncertain significance. Review status: criteria provided, single submitter. Criteria: ACMG Guidelines, 2015. Collection method: not provided. Allele origin: germline. Inheritance: Autosomal recessive inheritance. Affected: yes.

PreventionGenetics, part of Exact Sciences
Classification: Likely benign for FSIP2-related condition. Last evaluated: 2019-07-16. Review status: no assertion criteria provided. Collection method: clinical testing. Allele origin: germline. Not counted in ClinVar's aggregate classification.
Comment: This variant is classified as likely benign based on ACMG/AMP sequence variant interpretation guidelines (Richards et al. 2015 PMID: 25741868, with internal and published modifications).